The following is an entry in ClinVar:

NM_000133.4(F9):c.260T>G (p.Phe87Cys)

Gene: F9 (coagulation factor IX; plus strand). Cytogenetic location: Xq27.1.
Variant type: single nucleotide variant.
Coding change: c.260T>G on transcript NM_000133.4 (MANE Select); coding-DNA position 260, T replaced by G.
Protein change: p.Phe87Cys; replaces phenylalanine 87 with cysteine.
Molecular consequence: missense variant.
Genome position (GRCh38, 1-based): chrX:139,537,369, T>G. VCF-style: chrX-139537369-T-G. GRCh37 (hg19) VCF-style: chrX-138619528-T-G.
Other names: c.260T>G, p.Phe87Cys (NM_001313913.2); short protein forms F87C.
Identifiers: ClinVar variation 811521 (VCV000811521.8), dbSNP rs1603264299, ClinGen allele CA414436585.

ClinVar aggregate classification (germline): Pathogenic (1 of 4 stars; one submission).

Submission:

ARUP Laboratories, Molecular Genetics and Genomics, ARUP Laboratories
Classification: Pathogenic. Last evaluated: 2019-06-07. Review status: criteria provided, single submitter. Criteria: ARUP Molecular Germline Variant Investigation Process. Collection method: clinical testing. Allele origin: germline.
Comment: The F9 c.260T>G; p.Phe87Cys variant, also reported as Phe41Cys, has been described in individuals affected with hemophilia B (see link to F9 database and references therein, Bicocchi 2006, Chavali 2009). It is absent from general population databases (Exome Variant Server and Genome Aggregation Database), indicating it is not a common polymorphism. The phenylalanine at codon 87 is highly conserved, and computational algorithms (PolyPhen-2, SIFT) predict that this variant is deleterious. Additionally, another variant at this codon (c.259T>G; p.Phe87Val) has been described in multiple individuals affected with hemophilia B and is considered pathogenic (see link to F9 database and references therein). Based on available information, the p.Phe87Cys variant is considered pathogenic. REFERENCES Link to F9 database: Bicocchi M et al. Insight into molecular changes of the FIX protein in a series of Italian patients with haemophilia B. Haemophilia. 2006 May;12(3):263-70. Chavali S et al. Hemophilia B is a quasi-quantitative condition with certain mutations showing phenotypic plasticity. Genomics. 2009 Dec;94(6):433-7.